The following is an entry in ClinVar:

ClinVar aggregate classification (germline): Likely benign (1 of 4 stars; one submission).

Submission:

Laboratory for Molecular Medicine, Mass General Brigham Personalized Medicine
Classification: Likely benign. Last evaluated: 2016-06-20. Review status: criteria provided, single submitter. Criteria: LMM Criteria. Collection method: clinical testing. Allele origin: germline. Observed: 1 variant allele.
Comment: m.1041A>G in MTRNR1: This variant is not expected to have clinical significance because it has been identified in 0.6% (170/30589) human mitochondrial DNA seque nces with haplogroup-specific frequencies ranging from 0.01% to 0.9% in at leas t 5 haplogroups primarily of Asian descent. In addition , while it has been reported in individuals with hearing loss, there was no diff erence between its frequency in patients versus controls (Liu 2010, Konings 2008 ). Therefore, this variant is likely benign.

Literature cited by the submitters: PubMed 20100600; PubMed 18790089.

NC_012920.1(MT-RNR1):m.1041A>G

Gene: MT-RNR1 (mitochondrially encoded 12S RNA; plus strand).
Variant type: single nucleotide variant.
Genome position: chrM-1041-A-G.
Identifiers: ClinVar variation 505132 (VCV000505132.4), dbSNP rs58327546, ClinGen allele CA337096001.